The following is an entry in ClinVar:

NM_182961.4(SYNE1):c.5422-274C>T

Gene: SYNE1 (spectrin repeat containing nuclear envelope protein 1; minus strand). Cytogenetic location: 6q25.2.
Variant type: single nucleotide variant.
Coding change: c.5422-274C>T on transcript NM_182961.4 (MANE Select); 274 bases into the intron before coding-DNA position 5422, C replaced by T.
Molecular consequence: intron variant.
Genome position (GRCh38, 1-based): chr6:152,417,289, G>A on the plus strand (C>T on the coding strand, the complement: SYNE1 is on the minus strand). VCF-style: chr6-152417289-G-A. GRCh37 (hg19) VCF-style: chr6-152738424-G-A.
Other names: c.5443-274C>T (NM_033071.5).
Identifiers: ClinVar variation 683914 (VCV000683914.1), dbSNP rs7756247, ClinGen allele CA12308883.

ClinVar aggregate classification (germline): Benign (1 of 4 stars; one submission).

Allele frequency attached by ClinVar (database versions not stated): TOPMed 0.20029; gnomAD 0.20194 and 0.20386; 1000 Genomes Project 30x 0.23235; 1000 Genomes Project 0.23682.
gnomAD v4.1: 31,009 of 152,124 alleles (20%); highest among the groups gnomAD compares: East Asian, 36%; 3,299 homozygotes.

Submission:

GeneDx
Classification: Benign. Last evaluated: 2018-06-19. Review status: criteria provided, single submitter. Criteria: GeneDx Variant Classification (06012015). Collection method: clinical testing. Allele origin: germline. Affected: yes.
Comment: This variant is considered likely benign or benign based on one or more of the following criteria: it is a conservative change, it occurs at a poorly conserved position in the protein, it is predicted to be benign by multiple in silico algorithms, and/or has population frequency not consistent with disease.